The following is an entry in ClinVar:

ClinVar aggregate classification (germline): Uncertain significance. Review status: criteria provided, multiple submitters, no conflicts (2 of 4 stars). 2 submissions from 2 submitters: Uncertain significance (2). Last evaluated 2022-07-28.

Allele frequency attached by ClinVar (database versions not stated): TOPMed 0.00001; gnomAD exomes 0.00002.
gnomAD v4.1: 25 of 1,613,740 alleles (0.0015%); highest among the groups gnomAD compares: Admixed American, 0.005%; no homozygotes.

Submissions (2):

GeneDx
Classification: Uncertain significance. Last evaluated: 2022-07-28. Review status: criteria provided, single submitter. Criteria: GeneDx Variant Classification Process June 2021. Collection method: clinical testing. Allele origin: germline. Affected: yes.
Comment: In silico analysis supports that this missense variant has a deleterious effect on protein structure/function; Has not been previously published as pathogenic or benign to our knowledge

Labcorp Genetics (formerly Invitae), Labcorp
Classification: Uncertain significance. Last evaluated: 2022-03-24. Review status: criteria provided, single submitter. Criteria: Invitae Variant Classification Sherloc (09022015). Collection method: clinical testing. Allele origin: germline.
Comment: This sequence change replaces glycine, which is neutral and non-polar, with glutamic acid, which is acidic and polar, at codon 456 of the ERCC6 protein (p.Gly456Glu). This variant is present in population databases (no rsID available, gnomAD 0.006%). This variant has not been reported in the literature in individuals affected with ERCC6-related conditions. Algorithms developed to predict the effect of missense changes on protein structure and function (SIFT, PolyPhen-2, Align-GVGD) all suggest that this variant is likely to be disruptive. In summary, the available evidence is currently insufficient to determine the role of this variant in disease. Therefore, it has been classified as a Variant of Uncertain Significance.

NM_000124.4(ERCC6):c.1367G>A (p.Gly456Glu)

Genes: ERCC6 (ERCC excision repair 6, chromatin remodeling factor; minus strand), PGBD3 (piggyBac transposable element derived 3; minus strand). Cytogenetic location: 10q11.23.
Variant type: single nucleotide variant.
Coding change: c.1367G>A on transcript NM_000124.4 (MANE Select); coding-DNA position 1367, G replaced by A.
Protein change: p.Gly456Glu; replaces glycine 456 with glutamic acid.
Molecular consequence: missense variant. On other transcripts: 5 prime UTR variant (1).
Genome position (GRCh38, 1-based): chr10:49,524,063, C>T on the plus strand (G>A on the coding strand, the complement: ERCC6 is on the minus strand). VCF-style: chr10-49524063-C-T. GRCh37 (hg19) VCF-style: chr10-50732109-C-T.
Other names: c.1367G>A, p.Gly456Glu (NM_001277058.2, NM_001277059.2, NM_001346440.2); c.-38G>A (NM_170753.3); short protein forms G456E.
Identifiers: ClinVar variation 2150284 (VCV002150284.3), dbSNP rs1435459745, ClinGen allele CA376751930.